The following is an entry in ClinVar:

ClinVar aggregate classification (germline): Uncertain significance (1 of 4 stars; one submission).

Conditions:
KMT2D-related disorder. Also called: KMT2D-Related Disorders.

Submission:

PreventionGenetics, part of Exact Sciences
Classification: Uncertain significance for KMT2D-related condition. Last evaluated: 2026-06-08. Review status: criteria provided, single submitter. Criteria: ACMG Guidelines, 2015. Collection method: clinical testing. Allele origin: germline.
Comment: The KMT2D c.13112G>T variant is predicted to result in the amino acid substitution p.Ser4371Ile. To our knowledge, this variant has not been reported in the literature or in a large population database (gnomAD), indicating this variant is rare. At this time, the clinical significance of this variant is uncertain due to the absence of conclusive functional and genetic evidence.

NM_003482.4(KMT2D):c.13112G>T (p.Ser4371Ile)

Gene: KMT2D (lysine methyltransferase 2D; minus strand). Cytogenetic location: 12q13.12.
Variant type: single nucleotide variant.
Coding change: c.13112G>T on transcript NM_003482.4 (MANE Select); coding-DNA position 13112, G replaced by T.
Protein change: p.Ser4371Ile; replaces serine 4371 with isoleucine.
Molecular consequence: missense variant.
Genome position (GRCh38, 1-based): chr12:49,031,593, C>A on the plus strand (G>T on the coding strand, the complement: KMT2D is on the minus strand). VCF-style: chr12-49031593-C-A. GRCh37 (hg19) VCF-style: chr12-49425376-C-A.
Other names: short protein forms S4371I.
Identifiers: ClinVar variation 4987545 (VCV004987545.1).
Genomic context (GRCh38, chr12:49,031,593, plus strand): 5'-TGCTCTGGCTTCTGGGTTTCTGCTAGGTTGTCTGGGGGATCCCAAGGTCCCAGACCCTTG[C>A]TAAACAAGGTATCTGCAAGCTGGGCAGCAGCAGGTGAGACCCTCCCAGGAGGCGGCTCCA-3'
Protein context (NP_003473.3, residues 4361-4381): AAAQLADTLF[Ser4371Ile]KGLGPWDPPD